The following is an entry in ClinVar:

NM_015046.7(SETX):c.3269T>G (p.Phe1090Cys)

Gene: SETX (senataxin; minus strand). Cytogenetic location: 9q34.13.
Variant type: single nucleotide variant.
Coding change: c.3269T>G on transcript NM_015046.7 (MANE Select); coding-DNA position 3269, T replaced by G.
Protein change: p.Phe1090Cys; replaces phenylalanine 1090 with cysteine.
Molecular consequence: missense variant.
Genome position (GRCh38, 1-based): chr9:132,328,329, A>C on the plus strand (T>G on the coding strand, the complement: SETX is on the minus strand). VCF-style: chr9-132328329-A-C. GRCh37 (hg19) VCF-style: chr9-135203716-A-C.
Other names: c.3269T>G, p.Phe1090Cys (NM_001351527.2, NM_001351528.2); short protein forms F1090C.
Identifiers: ClinVar variation 2940624 (VCV002940624.4), dbSNP rs2539111511, ClinGen allele CA375331135.

ClinVar aggregate classification (germline): Uncertain significance. Review status: criteria provided, multiple submitters, no conflicts (2 of 4 stars). 2 submissions from 2 submitters: Uncertain significance (2). Last evaluated 2024-05-21.

Conditions:
Amyotrophic lateral sclerosis type 4 (ALS4). Also called: NEURONOPATHY, DISTAL HEREDITARY MOTOR, WITH PYRAMIDAL FEATURES; AMYOTROPHIC LATERAL SCLEROSIS 4, JUVENILE. Identifiers: Orphanet 357043, MedGen C1865409, MONDO:0011223, OMIM 602433.
Spinocerebellar ataxia, autosomal recessive, with axonal neuropathy 2 (SCAN2). Also called: ATAXIA-OCULOMOTOR APRAXIA 2; Ataxia with Oculomotor Apraxia; Ataxia-ocular apraxia-2; Ataxia with Oculomotor Apraxia Type 2. Identifiers: Orphanet 64753, MedGen C1853761, MONDO:0018996, OMIM 606002.

Allele frequency attached by ClinVar (database versions not stated): gnomAD exomes 0.00001.
gnomAD v4.1: 11 of 1,614,110 alleles (0.00068%); highest among the groups gnomAD compares: Non-Finnish European, 0.00093%; no homozygotes.

Submissions (2):

Blueprint Genetics
Classification: Uncertain significance. Last evaluated: 2024-05-21. Review status: criteria provided, single submitter. Criteria: ACMG Guidelines, 2015. Collection method: clinical testing. Allele origin: germline.

Labcorp Genetics (formerly Invitae), Labcorp
Classification: Uncertain significance for Amyotrophic lateral sclerosis type 4; Spinocerebellar ataxia, autosomal recessive, with axonal neuropathy 2. Last evaluated: 2023-01-09. Review status: criteria provided, single submitter. Criteria: Invitae Variant Classification Sherloc (09022015). Collection method: clinical testing. Allele origin: germline.
Comment: In summary, the available evidence is currently insufficient to determine the role of this variant in disease. Therefore, it has been classified as a Variant of Uncertain Significance. Advanced modeling of protein sequence and biophysical properties (such as structural, functional, and spatial information, amino acid conservation, physicochemical variation, residue mobility, and thermodynamic stability) performed at Invitae indicates that this missense variant is not expected to disrupt SETX protein function. This variant has not been reported in the literature in individuals affected with SETX-related conditions. This variant is not present in population databases (gnomAD no frequency). This sequence change replaces phenylalanine, which is neutral and non-polar, with cysteine, which is neutral and slightly polar, at codon 1090 of the SETX protein (p.Phe1090Cys).